The following is an entry in ClinVar:

ClinVar aggregate classification (germline): Uncertain significance (1 of 4 stars; one submission).

Allele frequency attached by ClinVar (database versions not stated): gnomAD exomes below 0.00001.
gnomAD v4.1: 1 of 1,613,948 alleles (0.000062%); highest among the groups gnomAD compares: Middle Eastern, 0.016%; no homozygotes.

Submission:

Labcorp Genetics (formerly Invitae), Labcorp
Classification: Uncertain significance. Last evaluated: 2023-12-09. Review status: criteria provided, single submitter. Criteria: Invitae Variant Classification Sherloc (09022015). Collection method: clinical testing. Allele origin: germline.
Comment: This sequence change replaces serine, which is neutral and polar, with threonine, which is neutral and polar, at codon 343 of the RAI1 protein (p.Ser343Thr). This variant is not present in population databases (gnomAD no frequency). This variant has not been reported in the literature in individuals affected with RAI1-related conditions. Advanced modeling of protein sequence and biophysical properties (such as structural, functional, and spatial information, amino acid conservation, physicochemical variation, residue mobility, and thermodynamic stability) performed at Invitae indicates that this missense variant is not expected to disrupt RAI1 protein function with a negative predictive value of 80%. In summary, the available evidence is currently insufficient to determine the role of this variant in disease. Therefore, it has been classified as a Variant of Uncertain Significance.

NM_030665.4(RAI1):c.1028G>C (p.Ser343Thr)

Gene: RAI1 (retinoic acid induced 1; plus strand). Cytogenetic location: 17p11.2.
Variant type: single nucleotide variant.
Coding change: c.1028G>C on transcript NM_030665.4 (MANE Select); coding-DNA position 1028, G replaced by C.
Protein change: p.Ser343Thr; replaces serine 343 with threonine.
Molecular consequence: missense variant.
Genome position (GRCh38, 1-based): chr17:17,793,976, G>C. VCF-style: chr17-17793976-G-C. GRCh37 (hg19) VCF-style: chr17-17697290-G-C.
Other names: short protein forms S343T.
Identifiers: ClinVar variation 2806099 (VCV002806099.3), dbSNP rs2508573054, ClinGen allele CA398546745.